The following is an entry in ClinVar:

ClinVar aggregate classification (germline): Uncertain significance. Review status: criteria provided, single submitter (1 of 4 stars). 2 submissions from 2 submitters: Uncertain significance (1). 1 of the submissions does not count toward it. Last evaluated 2018-07-25.

Conditions:
Neuropathy, hereditary motor and sensory, type 6B (HMSN6B). Also called: HMSN VIB; CHARCOT-MARIE-TOOTH DISEASE, TYPE 6B; NEUROPATHY, HEREDITARY MOTOR AND SENSORY, TYPE VIB, WITH OPTIC ATROPHY; Neuropathy, hereditary motor and sensory, type VIB. Identifiers: MedGen C4225302, MONDO:0014671, OMIM 616505.
Charcot-Marie-Tooth disease. Also called: Charcot-Marie-Tooth Hereditary Neuropathy; Charcot-Marie-Tooth Neuropathy. Identifiers: Orphanet 166, MedGen C0007959, MONDO:0015626.

Allele frequency attached by ClinVar (database versions not stated): gnomAD exomes below 0.00001.
gnomAD v4.1: 2 of 1,613,754 alleles (0.00012%); highest among the groups gnomAD compares: Non-Finnish European, 0.00017%; no homozygotes.

Submissions (2):

Labcorp Genetics (formerly Invitae), Labcorp
Classification: Uncertain significance for Neuropathy, hereditary motor and sensory, type 6B. Last evaluated: 2018-07-25. Review status: criteria provided, single submitter. Criteria: Invitae Variant Classification Sherloc (09022015). Collection method: clinical testing. Allele origin: germline.
Comment: In summary, the available evidence is currently insufficient to determine the role of this variant in disease. Therefore, it has been classified as a Variant of Uncertain Significance. This sequence change replaces alanine with proline at codon 319 of the SLC25A46 protein (p.Ala319Pro). The alanine residue is highly conserved and there is a small physicochemical difference between alanine and proline. This variant is not present in population databases (ExAC no frequency). This variant has not been reported in the literature in individuals with SLC25A46-related disease. Algorithms developed to predict the effect of missense changes on protein structure and function (SIFT, PolyPhen-2, Align-GVGD) all suggest that this variant is likely to be disruptive, but these predictions have not been confirmed by published functional studies and their clinical significance is uncertain.

Inherited Neuropathy Consortium
Classification: Likely pathogenic for Charcot-Marie-Tooth disease. Review status: no assertion criteria provided. Collection method: provider interpretation. Allele origin: inherited. Affected: yes. Not counted in ClinVar's aggregate classification.

NM_138773.4(SLC25A46):c.955G>C (p.Ala319Pro)

Gene: SLC25A46 (solute carrier family 25 member 46; plus strand). Cytogenetic location: 5q22.1.
Variant type: single nucleotide variant.
Coding change: c.955G>C on transcript NM_138773.4 (MANE Select); coding-DNA position 955, G replaced by C.
Protein change: p.Ala319Pro; replaces alanine 319 with proline.
Molecular consequence: missense variant. On other transcripts: non-coding transcript variant (1).
Genome position (GRCh38, 1-based): chr5:110,761,480, G>C. VCF-style: chr5-110761480-G-C. GRCh37 (hg19) VCF-style: chr5-110097180-G-C.
Other names: c.712G>C, p.Ala238Pro (NM_001303249.3); c.682G>C, p.Ala228Pro (NM_001303250.3); short protein forms A238P, A319P, A228P.
Identifiers: ClinVar variation 651121 (VCV000651121.10), dbSNP rs1390567933, ClinGen allele CA360696554.